The following is an entry in ClinVar:

ClinVar aggregate classification (germline): Pathogenic (1 of 4 stars; one submission).

gnomAD v4.1: 1 of 1,613,958 alleles (0.000062%); highest among the groups gnomAD compares: Non-Finnish European, 0.000085%; no homozygotes.

Submission:

Labcorp Genetics (formerly Invitae), Labcorp
Classification: Pathogenic. Last evaluated: 2022-03-02. Review status: criteria provided, single submitter. Criteria: Invitae Variant Classification Sherloc (09022015). Collection method: clinical testing. Allele origin: germline.
Comment: For these reasons, this variant has been classified as Pathogenic. This variant has not been reported in the literature in individuals affected with ERCC2-related conditions. This variant is not present in population databases (gnomAD no frequency). This sequence change creates a premature translational stop signal (p.Tyr639*) in the ERCC2 gene. It is expected to result in an absent or disrupted protein product. Loss-of-function variants in ERCC2 are known to be pathogenic (PMID: 9238033, 11335038, 19085937, 19934020).

Literature cited by the submitters: PubMed 9238033; PubMed 11335038; PubMed 19085937; PubMed 19934020.

NM_000400.4(ERCC2):c.1917C>A (p.Tyr639Ter)

Gene: ERCC2 (ERCC excision repair 2, TFIIH core complex helicase subunit; minus strand). Cytogenetic location: 19q13.32.
Variant type: single nucleotide variant.
Coding change: c.1917C>A on transcript NM_000400.4 (MANE Select); coding-DNA position 1917, C replaced by A.
Protein change: p.Tyr639Ter; replaces tyrosine 639 with a stop codon.
Molecular consequence: nonsense.
Genome position (GRCh38, 1-based): chr19:45,352,635, G>T on the plus strand (C>A on the coding strand, the complement: ERCC2 is on the minus strand). VCF-style: chr19-45352635-G-T. GRCh37 (hg19) VCF-style: chr19-45855893-G-T.
Other names: short protein forms Y639*.
Identifiers: ClinVar variation 1358482 (VCV001358482.6), dbSNP rs2123224577, ClinGen allele CA406363574.